The following is an entry in ClinVar:

NM_001046.3(SLC12A2):c.208A>G (p.Arg70Gly)

Genes: SLC12A2 (solute carrier family 12 member 2; plus strand), LOC129994526 (ATAC-STARR-seq lymphoblastoid silent region 16295; plus strand). Cytogenetic location: 5q23.3.
Variant type: single nucleotide variant.
Coding change: c.208A>G on transcript NM_001046.3 (MANE Select); coding-DNA position 208, A replaced by G.
Protein change: p.Arg70Gly; replaces arginine 70 with glycine.
Molecular consequence: missense variant. On other transcripts: non-coding transcript variant (1).
Genome position (GRCh38, 1-based): chr5:128,084,162, A>G. VCF-style: chr5-128084162-A-G. GRCh37 (hg19) VCF-style: chr5-127419854-A-G.
Other names: c.208A>G, p.Arg70Gly (NM_001256461.2); short protein forms R70G.
Identifiers: ClinVar variation 2655672 (VCV002655672.24), dbSNP rs1343216649, ClinGen allele CA360736020.

ClinVar aggregate classification (germline): Uncertain significance (1 of 4 stars; one submission).

Allele frequency attached by ClinVar (database versions not stated): gnomAD exomes below 0.00001.
gnomAD v4.1: 1 of 1,300,382 alleles (0.000077%); highest among the groups gnomAD compares: South Asian, 0.0023%; no homozygotes.

Submission:

CeGaT Center for Human Genetics Tuebingen
Classification: Uncertain significance. Last evaluated: 2023-09-01. Review status: criteria provided, single submitter. Criteria: CeGaT Center For Human Genetics Tuebingen Variant Classification Criteria Version 2. Collection method: clinical testing. Allele origin: germline. Affected: yes. Observed: 1 variant allele.
Comment: SLC12A2: PM2